The following is an entry in ClinVar:

NM_003467.3(CXCR4):c.1054A>G (p.Ser352Gly)

Gene: CXCR4 (C-X-C motif chemokine receptor 4; minus strand). Cytogenetic location: 2q22.1.
Variant type: single nucleotide variant.
Coding change: c.1054A>G on transcript NM_003467.3 (MANE Select); coding-DNA position 1054, A replaced by G.
Protein change: p.Ser352Gly; replaces serine 352 with glycine.
Molecular consequence: missense variant.
Genome position (GRCh38, 1-based): chr2:136,114,874, T>C on the plus strand (A>G on the coding strand, the complement: CXCR4 is on the minus strand). VCF-style: chr2-136114874-T-C. GRCh37 (hg19) VCF-style: chr2-136872444-T-C.
Other names: c.1066A>G, p.Ser356Gly (NM_001008540.2); c.1267A>G, p.Ser423Gly (NM_001348056.2); c.1153A>G, p.Ser385Gly (NM_001348059.2); c.1009A>G, p.Ser337Gly (NM_001348060.2); short protein forms S356G, S423G, S385G, S337G, S352G.
Identifiers: ClinVar variation 946873 (VCV000946873.10), dbSNP rs750756138, ClinGen allele CA1890050.
Genomic context (GRCh38, chr2:136,114,874, plus strand): 5'-GTGTAACTTAAAAAAAAGTTATTTATCGTATAAAAAAAAGTCTTTTACATCTGTGTTAGC[T>C]GGAGTGAAAACTTGAAGACTCAGACTCAGTGGAAACAGATGAATGTCCACCTCGCTTTCC-3'
Protein context (NP_003458.1, residues 342-352): TESESSSFHS[Ser352Gly]

ClinVar aggregate classification (germline): Uncertain significance (1 of 4 stars; one submission).

Conditions:
Warts, hypogammaglobulinemia, infections, and myelokathexis. Also called: WHIM syndrome. Identifiers: MedGen C0472817, MONDO:0023880.

Allele frequency attached by ClinVar (database versions not stated): ExAC 0.00003; gnomAD exomes below 0.00001 and 0.00001; TOPMed below 0.00001; gnomAD 0.00001.

Submission:

Labcorp Genetics (formerly Invitae), Labcorp
Classification: Uncertain significance for Warts, hypogammaglobulinemia, infections, and myelokathexis. Last evaluated: 2019-05-28. Review status: criteria provided, single submitter. Criteria: Invitae Variant Classification Sherloc (09022015). Collection method: clinical testing. Allele origin: germline.
Comment: This variant has not been reported in the literature in individuals with CXCR4-related conditions. This variant is present in population databases (rs750756138, ExAC 0.006%). This sequence change replaces serine with glycine at codon 352 of the CXCR4 protein (p.Ser352Gly). The serine residue is highly conserved and there is a small physicochemical difference between serine and glycine. In summary, the available evidence is currently insufficient to determine the role of this variant in disease. Therefore, it has been classified as a Variant of Uncertain Significance. Algorithms developed to predict the effect of missense changes on protein structure and function are either unavailable or do not agree on the potential impact of this missense change (SIFT: "Deleterious"; PolyPhen-2: "Not Available"; Align-GVGD: "Class C0").